The following is an entry in ClinVar:

ClinVar aggregate classification (germline): Conflicting classifications of pathogenicity. Review status: criteria provided, conflicting classifications (1 of 4 stars). 4 submissions from 4 submitters: Uncertain significance (1); Benign (2); Likely benign (1). Last evaluated 2026-09-11.

Conditions:
UNC13D-related disorder. Also called: UNC13D-related condition.
Autoinflammatory syndrome. Identifiers: Orphanet 93665, MedGen C3890737, MONDO:0019751.
Familial hemophagocytic lymphohistiocytosis 3 (FHL3). Also called: UNC13D-Related Familial Hemophagocytic Lymphohistiocytosis (UNC13D-fHLH). Identifiers: Orphanet 540, MedGen C1837174, MONDO:0012146, OMIM 608898.

Allele frequency attached by ClinVar (database versions not stated): gnomAD 0.00006 and 0.00013; TOPMed 0.00015; 1000 Genomes Project 30x 0.00062; 1000 Genomes Project 0.00080.
gnomAD v4.1: 297 of 1,613,702 alleles (0.018%); highest among the groups gnomAD compares: East Asian, 0.62%; 2 homozygotes.

Submissions (4):

PreventionGenetics, part of Exact Sciences
Classification: Likely benign for UNC13D-related condition. Last evaluated: 2026-09-11. Review status: criteria provided, single submitter. Criteria: ACMG Guidelines, 2015. Collection method: clinical testing. Allele origin: germline.
Comment: This variant is classified as likely benign based on ACMG/AMP sequence variant interpretation guidelines (Richards et al. 2015 PMID: 25741868, with internal and published modifications).

Labcorp Genetics (formerly Invitae), Labcorp
Classification: Benign for Familial hemophagocytic lymphohistiocytosis 3. Last evaluated: 2026-01-20. Review status: criteria provided, single submitter. Criteria: Invitae Variant Classification Sherloc (09022015). Collection method: clinical testing. Allele origin: germline.

Genome Diagnostics Laboratory, The Hospital for Sick Children
Classification: Uncertain significance for Autoinflammatory syndrome. Last evaluated: 2022-03-16. Review status: criteria provided, single submitter. Criteria: ACMG Guidelines, 2015. Collection method: clinical testing. Allele origin: germline. Affected: yes.

Breakthrough Genomics
Classification: Benign. Review status: criteria provided, single submitter. Criteria: ACMG Guidelines, 2015. Collection method: not provided. Allele origin: germline. Inheritance: Autosomal recessive inheritance. Affected: yes.

NM_199242.3(UNC13D):c.2499C>T (p.Ala833=)

Gene: UNC13D (unc-13 homolog D; minus strand). Cytogenetic location: 17q25.1.
Variant type: single nucleotide variant.
Coding change: c.2499C>T on transcript NM_199242.3 (MANE Select); coding-DNA position 2499, C replaced by T.
Protein change: p.Ala833=; no amino-acid change (alanine 833 retained).
Molecular consequence: synonymous variant.
Genome position (GRCh38, 1-based): chr17:75,831,297, G>A on the plus strand (C>T on the coding strand, the complement: UNC13D is on the minus strand). VCF-style: chr17-75831297-G-A. GRCh37 (hg19) VCF-style: chr17-73827378-G-A.
Identifiers: ClinVar variation 791697 (VCV000791697.16), dbSNP rs200014965, ClinGen allele CA8772493.